The following is an entry in ClinVar:

NM_015272.5(RPGRIP1L):c.3221-2A>G

Gene: RPGRIP1L (RPGRIP1 like; minus strand). Cytogenetic location: 16q12.2.
Variant type: single nucleotide variant.
Coding change: c.3221-2A>G on transcript NM_015272.5 (MANE Select); the canonical splice acceptor site of the intron before coding-DNA position 3221, A replaced by G.
Molecular consequence: splice acceptor variant.
Genome position (GRCh38, 1-based): chr16:53,636,514, T>C on the plus strand (A>G on the coding strand, the complement: RPGRIP1L is on the minus strand). VCF-style: chr16-53636514-T-C. GRCh37 (hg19) VCF-style: chr16-53670426-T-C.
Other names: c.3221-2A>G (NM_015272.4, NM_001308334.3); c.3119-2A>G (NM_001127897.4, NM_001330538.2).
Identifiers: ClinVar variation 1481907 (VCV001481907.9), dbSNP rs200448428, ClinGen allele CA8057326.

ClinVar aggregate classification (germline): Likely pathogenic. Review status: criteria provided, multiple submitters, no conflicts (2 of 4 stars). 4 submissions from 4 submitters: Likely pathogenic (4). Last evaluated 2025-09-29.

Conditions:
RPGRIP1L-related disorder. Also called: RPGRIP1L-related condition; RPGRIP1L-related disorders. Identifiers: MedGen CN239416.
Meckel syndrome, type 5 (MKS5). Identifiers: Orphanet 564, MedGen C1969052, MONDO:0012695, OMIM 611561.
COACH syndrome 3. Identifiers: MedGen C5436841, MONDO:0030862, OMIM 619113.
Joubert syndrome 7 (JBTS7). Identifiers: Orphanet 220497, MedGen C1969053, MONDO:0012694, OMIM 611560.
Meckel-Gruber syndrome. Also called: DYSENCEPHALIA SPLANCHNOCYSTICA; GRUBER SYNDROME; Dysencephalia splachnocystica. Identifiers: Orphanet 564, MedGen C0265215, MONDO:0018921.
Joubert syndrome. Also called: JOUBERT-BOLTSHAUSER SYNDROME; Familial aplasia of the vermis. Identifiers: Orphanet 475, MedGen C5979921, MONDO:0018772.

Allele frequency attached by ClinVar (database versions not stated): gnomAD 0.00001 and 0.00002; gnomAD exomes 0.00001; TOPMed 0.00001; ExAC 0.00002; 1000 Genomes Project 30x 0.00016; 1000 Genomes Project 0.00020.
gnomAD v4.1: 10 of 1,607,124 alleles (0.00062%); highest among the groups gnomAD compares: East Asian, 0.02%; no homozygotes.

Submissions (4):

Natera, Inc.
Classification: Likely pathogenic for Joubert syndrome. Last evaluated: 2025-09-29. Review status: criteria provided, single submitter. Criteria: Natera Variant Classification Schema (03/2026). Collection method: clinical testing. Allele origin: germline.
Comment: The c.3221-2A>G variant in RPGRIP1L is a canonical splice acceptor site variant predicted to affect pre-mRNA splicing, which may result in an abnormal transcript and altered protein product. This variant is expected to result in nonsense mediated decay, truncation, or a dysfunctional protein product. This variant is rare in the general population with a frequency below the threshold expected for the associated phenotype(s). Given the available evidence, this variant is classified as Likely Pathogenic.

Fulgent Genetics
Classification: Likely pathogenic for Joubert syndrome 7; Meckel syndrome, type 5; COACH syndrome 3. Last evaluated: 2024-06-01. Review status: criteria provided, single submitter. Criteria: ACMG Guidelines, 2015. Collection method: clinical testing. Allele origin: germline.

Labcorp Genetics (formerly Invitae), Labcorp
Classification: Likely pathogenic for Joubert syndrome; Meckel-Gruber syndrome. Last evaluated: 2023-10-22. Review status: criteria provided, single submitter. Criteria: Invitae Variant Classification Sherloc (09022015). Collection method: clinical testing. Allele origin: germline.
Comment: This sequence change affects an acceptor splice site in intron 21 of the RPGRIP1L gene. It is expected to disrupt RNA splicing. Variants that disrupt the donor or acceptor splice site typically lead to a loss of protein function (PMID: 16199547), and loss-of-function variants in RPGRIP1L are known to be pathogenic (PMID: 17558409). This variant is present in population databases (rs200448428, gnomAD 0.02%). This variant has not been reported in the literature in individuals affected with RPGRIP1L-related conditions. ClinVar contains an entry for this variant (Variation ID: 1481907). Algorithms developed to predict the effect of sequence changes on RNA splicing suggest that this variant may disrupt the consensus splice site. In summary, the currently available evidence indicates that the variant is pathogenic, but additional data are needed to prove that conclusively. Therefore, this variant has been classified as Likely Pathogenic.

Blueprint Genetics
Classification: Likely pathogenic for RPGRIP1L-related disorders. Last evaluated: 2019-09-14. Review status: criteria provided, single submitter. Criteria: ACMG Guidelines, 2015. Collection method: clinical testing. Allele origin: germline. Affected: yes. Observed: 1 variant allele.

Literature cited by the submitters: PubMed 16199547 (cited by Labcorp Genetics (formerly Invitae), Labcorp); PubMed 17558409 (cited by Labcorp Genetics (formerly Invitae), Labcorp).